The following is an entry in ClinVar:

ClinVar aggregate classification (germline): Uncertain significance (1 of 4 stars; one submission).

Conditions:
Early Myoclonic Encephalopathy. Identifiers: MedGen C0270855.

Allele frequency attached by ClinVar (database versions not stated): gnomAD exomes below 0.00001.

Submission:

Labcorp Genetics (formerly Invitae), Labcorp
Classification: Uncertain significance for Early Myoclonic Encephalopathy. Last evaluated: 2024-02-17. Review status: criteria provided, single submitter. Criteria: Invitae Variant Classification Sherloc (09022015). Collection method: clinical testing. Allele origin: germline.
Comment: This sequence change replaces arginine, which is basic and polar, with glutamine, which is neutral and polar, at codon 814 of the JMJD1C protein (p.Arg814Gln). The frequency data for this variant in the population databases is considered unreliable, as metrics indicate poor data quality at this position in the gnomAD database. This variant has not been reported in the literature in individuals affected with JMJD1C-related conditions. ClinVar contains an entry for this variant (Variation ID: 1518929). Advanced modeling of protein sequence and biophysical properties (such as structural, functional, and spatial information, amino acid conservation, physicochemical variation, residue mobility, and thermodynamic stability) performed at Invitae indicates that this missense variant is not expected to disrupt JMJD1C protein function with a negative predictive value of 80%. In summary, the available evidence is currently insufficient to determine the role of this variant in disease. Therefore, it has been classified as a Variant of Uncertain Significance.

NM_032776.3(JMJD1C):c.2441G>A (p.Arg814Gln)

Gene: JMJD1C (jumonji domain containing 1C; minus strand). Cytogenetic location: 10q21.3.
Variant type: single nucleotide variant.
Coding change: c.2441G>A on transcript NM_032776.3 (MANE Select); coding-DNA position 2441, G replaced by A.
Protein change: p.Arg814Gln; replaces arginine 814 with glutamine.
Molecular consequence: missense variant. On other transcripts: non-coding transcript variant (1).
Genome position (GRCh38, 1-based): chr10:63,213,726, C>T on the plus strand (G>A on the coding strand, the complement: JMJD1C is on the minus strand). VCF-style: chr10-63213726-C-T. GRCh37 (hg19) VCF-style: chr10-64973486-C-T.
Other names: c.1895G>A, p.Arg632Gln (NM_001282948.2, NM_001318154.2); c.1577G>A, p.Arg526Gln (NM_001318153.2); c.2327G>A, p.Arg776Gln (NM_001322252.2); c.1784G>A, p.Arg595Gln (NM_001322254.2, NM_001322258.2); short protein forms R595Q, R776Q, R526Q, R632Q, R814Q.
Identifiers: ClinVar variation 1518929 (VCV001518929.6), dbSNP rs1295182226, ClinGen allele CA377045113.
Genomic context (GRCh38, chr10:63,213,726, plus strand): 5'-TGTTGTTGCTGGTGTGCTAGCGCTAAGTGGCTCAAGCTGCTGGCATGAGCACTCTCTAGT[C>T]GTGGGTGGCCACCAAGTAAGGAGGCAGTAGGCACTCCAGGTAACACAGTGGGAAGTAAAT-3'
Protein context (NP_116165.1, residues 804-824): PTASLLGGHP[Arg814Gln]LESAHASSLS